The following is an entry in ClinVar:

ClinVar aggregate classification (germline): Uncertain significance (1 of 4 stars; one submission).

Conditions:
Juvenile polyposis syndrome (JPS). Identifiers: Orphanet 2929, MedGen C0345893, MONDO:0017380, OMIM 174900.

Submission:

Labcorp Genetics (formerly Invitae), Labcorp
Classification: Uncertain significance for Juvenile polyposis syndrome. Last evaluated: 2015-05-01. Review status: criteria provided, single submitter. Criteria: Invitae Variant Classification Sherloc (09022015). Collection method: clinical testing. Allele origin: germline.
Comment: In summary, this is a novel missense change that is not predicted to affect protein function or cause disease. However the evidence is insufficient at this time to prove that conclusively. It has been classified as a Variant of Uncertain Significance. Algorithms developed to predict the effect of missense changes on protein structure and function (SIFT, PolyPhen-2, Align-GVGD) all suggest that this variant is likely to be tolerated, but these predictions have not been confirmed by published functional studies. This variant has not been published in the literature and is not present in population databases. This sequence change replaces isoleucine with valine at codon 436 of the BMPR1A protein (p.Ile436Val). The isoleucine residue is highly conserved and there is a small physicochemical difference between isoleucine and valine.

NM_004329.3(BMPR1A):c.1306A>G (p.Ile436Val)

Gene: BMPR1A (bone morphogenetic protein receptor type 1A; plus strand). Cytogenetic location: 10q23.2.
Variant type: single nucleotide variant.
Coding change: c.1306A>G on transcript NM_004329.3 (MANE Select); coding-DNA position 1306, A replaced by G.
Protein change: p.Ile436Val; replaces isoleucine 436 with valine.
Molecular consequence: missense variant.
Genome position (GRCh38, 1-based): chr10:86,921,659, A>G. VCF-style: chr10-86921659-A-G. GRCh37 (hg19) VCF-style: chr10-88681416-A-G.
Other names: short protein forms I436V.
Identifiers: ClinVar variation 216579 (VCV000216579.8), dbSNP rs863224718, ClinGen allele CA338549.
Genomic context (GRCh38, chr10:86,921,659, plus strand): 5'-AGCCTGAACAAAAACCACTTCCAGCCCTACATCATGGCTGACATCTACAGCTTCGGCCTA[A>G]TCATTTGGGAGATGGCTCGTCGTTGTATCACAGGAGGTGGGAGTTTGAGTAGTTTCTGAT-3'
Protein context (NP_004320.2, residues 426-446): IMADIYSFGL[Ile436Val]IWEMARRCIT